The following is an entry in ClinVar:

ClinVar aggregate classification (germline): Benign/Likely benign. Review status: criteria provided, multiple submitters, no conflicts (2 of 4 stars). 10 submissions from 10 submitters: Benign (4); Likely benign (3). 3 of the submissions do not count toward it. Last evaluated 2026-02-01.

Conditions:
Connective tissue disorder. Also called: Connective tissue disease. Identifiers: MedGen C0009782, MONDO:0003900.

Allele frequency attached by ClinVar (database versions not stated): ESP Exome Variant Server 0.00270; 1000 Genomes Project 0.00339; 1000 Genomes Project 30x 0.00359; gnomAD exomes 0.00386; gnomAD 0.00389 and 0.00393; TOPMed 0.00393; ExAC 0.00465.

Submissions (10):

Labcorp Genetics (formerly Invitae), Labcorp
Classification: Likely benign. Last evaluated: 2026-02-01. Review status: criteria provided, single submitter. Criteria: Invitae Variant Classification Sherloc (09022015). Collection method: clinical testing. Allele origin: germline.

CeGaT Center for Human Genetics Tuebingen
Classification: Likely benign. Last evaluated: 2024-05-01. Review status: criteria provided, single submitter. Criteria: CeGaT Center For Human Genetics Tuebingen Variant Classification Criteria Version 2. Collection method: clinical testing. Allele origin: germline. Affected: yes. Observed: 8 variant alleles.
Comment: COL9A3: BS2

Genome Diagnostics Laboratory, The Hospital for Sick Children
Classification: Benign for Connective tissue disorder. Last evaluated: 2021-08-19. Review status: criteria provided, single submitter. Criteria: ACMG Guidelines, 2015. Collection method: clinical testing. Allele origin: germline.

GeneDx
Classification: Benign. Last evaluated: 2018-11-13. Review status: criteria provided, single submitter. Criteria: GeneDx Variant Classification Process June 2021. Collection method: clinical testing. Allele origin: germline. Affected: yes.

Eurofins Ntd Llc (ga)
Classification: Benign. Last evaluated: 2015-10-22. Review status: criteria provided, single submitter. Criteria: EGL Classification Definitions 2015. Collection method: clinical testing. Allele origin: germline. Observed: 1 variant allele, 1 heterozygote.

Breakthrough Genomics
Classification: Likely benign. Review status: criteria provided, single submitter. Criteria: ACMG Guidelines, 2015. Collection method: not provided. Allele origin: germline. Inheritance: Autosomal recessive inheritance. Affected: yes.

PreventionGenetics, part of Exact Sciences
Classification: Benign. Review status: criteria provided, single submitter. Criteria: ACMG Guidelines, 2015. Collection method: clinical testing. Allele origin: germline.

Clinical Genetics DNA and cytogenetics Diagnostics Lab, Erasmus MC, Erasmus Medical Center
Classification: Likely benign. Review status: no assertion criteria provided. Collection method: clinical testing. Allele origin: germline. Affected: yes. Study: VKGL Data-share Consensus. Not counted in ClinVar's aggregate classification.

Genome Diagnostics Laboratory, Amsterdam University Medical Center
Classification: Likely benign. Review status: no assertion criteria provided. Collection method: clinical testing. Allele origin: germline. Affected: yes. Study: VKGL Data-share Consensus. Not counted in ClinVar's aggregate classification.

Laboratory of Diagnostic Genome Analysis, Leiden University Medical Center (LUMC)
Classification: Likely benign. Review status: no assertion criteria provided. Collection method: clinical testing. Allele origin: germline. Affected: yes. Study: VKGL Data-share Consensus. Not counted in ClinVar's aggregate classification.

NM_001853.4(COL9A3):c.410T>C (p.Leu137Pro)

Gene: COL9A3 (collagen type IX alpha 3 chain; plus strand). Cytogenetic location: 20q13.33.
Variant type: single nucleotide variant.
Coding change: c.410T>C on transcript NM_001853.4 (MANE Select); coding-DNA position 410, T replaced by C.
Protein change: p.Leu137Pro; replaces leucine 137 with proline.
Molecular consequence: missense variant.
Genome position (GRCh38, 1-based): chr20:62,821,797, T>C. VCF-style: chr20-62821797-T-C. GRCh37 (hg19) VCF-style: chr20-61453149-T-C.
Other names: c.410T>C, p.Leu137Pro (LRG_1253t1); short protein forms L137P.
Identifiers: ClinVar variation 258424 (VCV000258424.48), dbSNP rs147947060, ClinGen allele CA9949234.